The following is an entry in ClinVar:

ClinVar aggregate classification (germline): Uncertain significance (1 of 4 stars; one submission).

Conditions:
Early-infantile DEE. Also called: Early infantile epileptic encephalopathy; Ohtahara syndrome; Early infantile epileptic encephalopathy with suppression bursts. Identifiers: Orphanet 1934, MedGen C0393706, MONDO:0800491.

Submission:

Labcorp Genetics (formerly Invitae), Labcorp
Classification: Uncertain significance for Early-infantile DEE. Last evaluated: 2022-11-08. Review status: criteria provided, single submitter. Criteria: Invitae Variant Classification Sherloc (09022015). Collection method: clinical testing. Allele origin: germline.
Comment: In summary, the available evidence is currently insufficient to determine the role of this variant in disease. Therefore, it has been classified as a Variant of Uncertain Significance. Algorithms developed to predict the effect of sequence changes on RNA splicing suggest that this variant may disrupt the consensus splice site. This variant has not been reported in the literature in individuals affected with CACNA2D2-related conditions. This variant is not present in population databases (gnomAD no frequency). This sequence change falls in intron 6 of the CACNA2D2 gene. It does not directly change the encoded amino acid sequence of the CACNA2D2 protein.

NM_006030.4(CACNA2D2):c.653-19G>C

Gene: CACNA2D2 (calcium voltage-gated channel auxiliary subunit alpha2delta 2; minus strand). Cytogenetic location: 3p21.31.
Variant type: single nucleotide variant.
Coding change: c.653-19G>C on transcript NM_006030.4 (MANE Select); 19 bases into the intron before coding-DNA position 653, G replaced by C.
Molecular consequence: intron variant.
Genome position (GRCh38, 1-based): chr3:50,381,145, C>G on the plus strand (G>C on the coding strand, the complement: CACNA2D2 is on the minus strand). VCF-style: chr3-50381145-C-G. GRCh37 (hg19) VCF-style: chr3-50418576-C-G.
Other names: c.446-19G>C (NM_001291101.1); c.653-19G>C (NM_001005505.3, NM_001174051.3).
Identifiers: ClinVar variation 2018312 (VCV002018312.4), dbSNP rs2471034905, ClinGen allele CA2580070128.